The following is an entry in ClinVar:

NM_002448.3(MSX1):c.683dup (p.Arg229fs)

Gene: MSX1 (msh homeobox 1; plus strand). Cytogenetic location: 4p16.2.
Variant type: Duplication.
Coding change: c.683dup on transcript NM_002448.3 (MANE Select); coding-DNA position 683, one base duplicated (A; older notation c.683dupA).
Protein change: p.Arg229fs; shifts the reading frame from arginine 229.
Molecular consequence: frameshift variant.
Genome position (GRCh38, 1-based): chr4:4,862,914, A duplicated; the last of 3 consecutive A bases (chr4:4,862,912-4,862,914); duplicating any one gives the same sequence. VCF-style (leftmost placement, unchanged base first): chr4-4862911-C-CA. GRCh37 (hg19) VCF-style: chr4-4864638-C-CA.
Other names: short protein forms R229fs.
Identifiers: ClinVar variation 1393580 (VCV001393580.8), dbSNP rs1737950636, ClinGen allele CA2573137594.
Genomic context (GRCh38, chr4:4,862,911, plus strand): 5'-GCTCGCTCAGCCTCACTGAGACGCAGGTGAAGATATGGTTCCAGAACCGCCGCGCCAAGG[C>CA]AAAGAGACTACAAGAGGCAGAGCTGGAGAAGCTGAAGATGGCCGCCAAGCCCATGCTGCC-3'

ClinVar aggregate classification (germline): Pathogenic (1 of 4 stars; one submission).

Conditions:
Hypoplastic enamel-onycholysis-hypohidrosis syndrome (TNS). Also called: NAIL DYSPLASIA WITH HYPODONTIA; WITKOP SYNDROME; Tooth-and-Nail Syndrome; ECTODERMAL DYSPLASIA 3, WITKOP TYPE; ECTODERMAL DYSPLASIA 3, TOOTH/NAIL TYPE. Identifiers: Orphanet 2228, MedGen C0406735, MONDO:0008582, OMIM 189500.

Submission:

Labcorp Genetics (formerly Invitae), Labcorp
Classification: Pathogenic for Hypoplastic enamel-onycholysis-hypohidrosis syndrome. Last evaluated: 2021-02-17. Review status: criteria provided, single submitter. Criteria: Invitae Variant Classification Sherloc (09022015). Collection method: clinical testing. Allele origin: germline.
Comment: This sequence change results in a frameshift in the MSX1 gene (p.Arg229Glufs*111). While this is not anticipated to result in nonsense mediated decay, it is expected to disrupt the last 75 amino acid(s) of the MSX1 protein and extend the protein by 35 additional amino acid residues. This variant is not present in population databases (ExAC no frequency). This variant has not been reported in the literature in individuals with MSX1-related conditions. This variant results in an extension of the MSX1 protein. Other variant(s) that result in a similarly extended protein product (p.Phe251Thrfs*92) have been determined to be pathogenic (PMID: 25874811). This suggests that these extensions are likely to be causative of disease. For these reasons, this variant has been classified as Pathogenic.

Literature cited by the submitters: PubMed 25874811.